The following is an entry in ClinVar:

NM_003172.4(SURF1):c.313_321del (p.Leu105_Ala107del)

Gene: SURF1 (SURF1 cytochrome c oxidase assembly factor; minus strand). Cytogenetic location: 9q34.2.
Variant type: Deletion.
Coding change: c.313_321del on transcript NM_003172.4 (MANE Select); coding-DNA positions 313 to 321, 9 bases deleted (CTGCCAGCC; older notation c.313_321delCTGCCAGCC).
Protein change: p.Leu105_Ala107del.
Molecular consequence: inframe deletion. On other transcripts: 5 prime UTR variant (1).
Genome position (GRCh38, 1-based): chr9:133,354,661-133,354,669, GGCTGGCAG deleted on the plus strand (CTGCCAGCC on the coding strand, the reverse complement: SURF1 is on the minus strand). VCF-style (leftmost placement, unchanged base first): chr9-133354660-CGGCTGGCAG-C. GRCh37 (hg19) VCF-style: chr9-136221515-CGGCTGGCAG-C.
Other names: c.-15_-7del (NM_001280787.1).
Identifiers: ClinVar variation 444786 (VCV000444786.49), dbSNP rs759270179, ClinGen allele CA200833336.

ClinVar aggregate classification (germline): Likely pathogenic. Review status: criteria provided, multiple submitters, no conflicts (2 of 4 stars). 6 submissions from 6 submitters: Likely pathogenic (2). 4 of the submissions do not count toward it. Last evaluated 2023-01-30.

Allele frequency attached by ClinVar (database versions not stated): ExAC 0.00007; TOPMed 0.00034; gnomAD 0.00036; ESP Exome Variant Server 0.00056; gnomAD exomes 0.00062.

Submissions (6):

Centre of Medical Genetics, University Hospital Muenster
Classification: Likely pathogenic. Last evaluated: 2023-01-30. Review status: criteria provided, single submitter. Criteria: ACMG Guidelines, 2015. Collection method: clinical testing. Allele origin: unknown. Affected: yes. Observed: 1 variant allele.
Comment: ACMG categories: PM1,PM2,PM4,PP5

CeGaT Center for Human Genetics Tuebingen
Classification: Likely pathogenic. Last evaluated: 2017-05-01. Review status: criteria provided, single submitter. Criteria: CeGaT Center For Human Genetics Tuebingen Variant Classification Criteria Version 2. Collection method: clinical testing. Allele origin: germline. Affected: yes. Observed: 1 variant allele.

Clinical Genetics DNA and cytogenetics Diagnostics Lab, Erasmus MC, Erasmus Medical Center
Classification: Pathogenic. Review status: no assertion criteria provided. Collection method: clinical testing. Allele origin: germline. Affected: yes. Study: VKGL Data-share Consensus. Not counted in ClinVar's aggregate classification.

Clinical Genetics, Academic Medical Center
Classification: Pathogenic. Review status: no assertion criteria provided. Collection method: clinical testing. Allele origin: germline. Affected: yes. Study: VKGL Data-share Consensus. Not counted in ClinVar's aggregate classification.

Diagnostic Laboratory, Department of Genetics, University Medical Center Groningen
Classification: Pathogenic. Review status: no assertion criteria provided. Collection method: clinical testing. Allele origin: germline. Affected: yes. Study: VKGL Data-share Consensus. Not counted in ClinVar's aggregate classification.

Laboratory of Diagnostic Genome Analysis, Leiden University Medical Center (LUMC)
Classification: Pathogenic. Review status: no assertion criteria provided. Collection method: clinical testing. Allele origin: germline. Affected: yes. Study: VKGL Data-share Consensus. Not counted in ClinVar's aggregate classification.